The following is an entry in ClinVar:

ClinVar aggregate classification (germline): Pathogenic (1 of 4 stars; one submission).

Conditions:
Fanconi anemia (FA). Also called: Fanconi's anemia. Identifiers: Orphanet 84, MedGen C0015625, MeSH D005199, MONDO:0019391.

Submission:

Labcorp Genetics (formerly Invitae), Labcorp
Classification: Pathogenic for Fanconi anemia. Last evaluated: 2024-10-24. Review status: criteria provided, single submitter. Criteria: Invitae Variant Classification Sherloc (09022015). Collection method: clinical testing. Allele origin: germline.
Comment: This sequence change creates a premature translational stop signal (p.Glu964Serfs*17) in the FANCD2 gene. It is expected to result in an absent or disrupted protein product. Loss-of-function variants in FANCD2 are known to be pathogenic (PMID: 17436244). This variant is not present in population databases (gnomAD no frequency). This variant has not been reported in the literature in individuals affected with FANCD2-related conditions. For these reasons, this variant has been classified as Pathogenic.

Literature cited by the submitters: PubMed 17436244.

NM_001018115.3(FANCD2):c.2889del (p.Glu964fs)

Genes: FANCD2 (FA complementation group D2; plus strand), LOC107303338 (3p25 FANCD2 Alu-mediated recombination region; plus strand). Cytogenetic location: 3p25.3.
Variant type: Deletion.
Coding change: c.2889del on transcript NM_001018115.3 (MANE Select); coding-DNA position 2889, one base deleted (T; older notation c.2889delT).
Protein change: p.Glu964fs; shifts the reading frame from glutamic acid 964.
Molecular consequence: frameshift variant.
Genome position (GRCh38, 1-based): chr3:10,078,110, T deleted. VCF-style (leftmost placement, unchanged base first): chr3-10078109-CT-C. GRCh37 (hg19) VCF-style: chr3-10119793-CT-C.
Other names: c.2889del, p.Glu964fs (NM_001319984.2, NM_001374254.1, NM_033084.6); c.2778del, p.Glu927fs (NM_001374253.1); short protein forms E927fs, E964fs.
Identifiers: ClinVar variation 3702819 (VCV003702819.2).